The following is an entry in ClinVar:

ClinVar aggregate classification (germline): Uncertain significance (1 of 4 stars; one submission).

Conditions:
Inborn genetic diseases. Identifiers: MedGen C0950123, MeSH D030342.

Submission:

Ambry Genetics
Classification: Uncertain significance for Inborn genetic diseases. Last evaluated: 2025-03-07. Review status: criteria provided, single submitter. Criteria: Ambry Variant Classification Scheme 2023. Collection method: clinical testing. Allele origin: germline.
Comment: The p.E284D variant (also known as c.852G>C), located in coding exon 1 of the CEBPA gene, results from a G to C substitution at nucleotide position 852. The glutamic acid at codon 284 is replaced by aspartic acid, an amino acid with highly similar properties. This amino acid position is highly conserved in available vertebrate species. In addition, this alteration is predicted to be tolerated by in silico analysis. Based on the available evidence, the clinical significance of this variant remains unclear.

NM_004364.5(CEBPA):c.852G>C (p.Glu284Asp)

Gene: CEBPA (CCAAT enhancer binding protein alpha; minus strand). Cytogenetic location: 19q13.11.
Variant type: single nucleotide variant.
Coding change: c.852G>C on transcript NM_004364.5 (MANE Select); coding-DNA position 852, G replaced by C.
Protein change: p.Glu284Asp; replaces glutamic acid 284 with aspartic acid.
Molecular consequence: missense variant.
Genome position (GRCh38, 1-based): chr19:33,301,563, C>G on the plus strand (G>C on the coding strand, the complement: CEBPA is on the minus strand). VCF-style: chr19-33301563-C-G. GRCh37 (hg19) VCF-style: chr19-33792469-C-G.
Other names: c.495G>C, p.Glu165Asp (NM_001285829.2); c.957G>C, p.Glu319Asp (NM_001287424.2); c.810G>C, p.Glu270Asp (NM_001287435.2); short protein forms E165D, E319D, E270D, E284D.
Identifiers: ClinVar variation 3831163 (VCV003831163.1).